The following is an entry in ClinVar:

ClinVar aggregate classification (germline): Uncertain significance (1 of 4 stars; one submission).

gnomAD v4.1: 57 of 1,613,848 alleles (0.0035%); highest among the groups gnomAD compares: Admixed American, 0.023%; no homozygotes.

Submission:

Mayo Clinic Laboratories, Mayo Clinic
Classification: Uncertain significance. Last evaluated: 2025-10-30. Review status: criteria provided, single submitter. Criteria: ACMG Guidelines, 2015. Collection method: clinical testing. Allele origin: germline. Observed: 1 variant allele.
Comment: BP4_moderate, PM2_supporting

NM_015378.4(VPS13D):c.6398C>T (p.Pro2133Leu)

Gene: VPS13D (vacuolar protein sorting 13 homolog D; plus strand). Cytogenetic location: 1p36.22.
Variant type: single nucleotide variant.
Coding change: c.6398C>T on transcript NM_015378.4 (MANE Select); coding-DNA position 6398, C replaced by T.
Protein change: p.Pro2133Leu; replaces proline 2133 with leucine.
Molecular consequence: missense variant.
Genome position (GRCh38, 1-based): chr1:12,304,687, C>T. VCF-style: chr1-12304687-C-T. GRCh37 (hg19) VCF-style: chr1-12364744-C-T.
Other names: p.Pro2133Leu; c.6398C>T, p.Pro2133Leu (NM_018156.4); short protein forms P2133L.
Identifiers: ClinVar variation 4540699 (VCV004540699.1).